The following is an entry in ClinVar:

NM_001127198.5(TMC6):c.365G>A (p.Arg122His)

Gene: TMC6 (transmembrane channel like 6; minus strand). Cytogenetic location: 17q25.3.
Variant type: single nucleotide variant.
Coding change: c.365G>A on transcript NM_001127198.5 (MANE Select); coding-DNA position 365, G replaced by A.
Protein change: p.Arg122His; replaces arginine 122 with histidine.
Molecular consequence: missense variant.
Genome position (GRCh38, 1-based): chr17:78,125,791, C>T on the plus strand (G>A on the coding strand, the complement: TMC6 is on the minus strand). VCF-style: chr17-78125791-C-T. GRCh37 (hg19) VCF-style: chr17-76121872-C-T.
Other names: c.365G>A, p.Arg122His (NM_001321185.1, NM_001374593.1, NM_001374594.1 and 4 more transcripts); c.365G>A (NM_007267.6); short protein forms R122H.
Identifiers: ClinVar variation 1000943 (VCV001000943.9), dbSNP rs200579060, ClinGen allele CA294356264.
Genomic context (GRCh38, chr17:78,125,791, plus strand): 5'-TCCTCCAGGGCCGTGGGGTCCAGCTCCAGGTCGTACAGGCGGAGGCTGGGCCAGGCGGAG[C>T]GGACAAAGTTCCCGAGCAGGGGCCGGCTGCTCCTGCACCGAAGCTGCACCGTGCGGTTGT-3'
Protein context (NP_001120670.1, residues 112-132): SSRPLLGNFV[Arg122His]SAWPSLRLYD

ClinVar aggregate classification (germline): Uncertain significance. Review status: criteria provided, multiple submitters, no conflicts (2 of 4 stars). 3 submissions from 3 submitters: Uncertain significance (3). Last evaluated 2025-01-18.

Conditions:
Epidermodysplasia verruciformis. Identifiers: Orphanet 302, MedGen C0014522, MONDO:0009176.
Inborn genetic diseases. Identifiers: MedGen C0950123, MeSH D030342.

Allele frequency attached by ClinVar (database versions not stated): 1000 Genomes Project 30x 0.00016; 1000 Genomes Project 0.00020; gnomAD 0.00002.
gnomAD v4.1: 32 of 1,561,578 alleles (0.002%); highest among the groups gnomAD compares: Middle Eastern, 0.067%; no homozygotes.

Submissions (3):

Labcorp Genetics (formerly Invitae), Labcorp
Classification: Uncertain significance for Epidermodysplasia verruciformis. Last evaluated: 2025-01-18. Review status: criteria provided, single submitter. Criteria: Invitae Variant Classification Sherloc (09022015). Collection method: clinical testing. Allele origin: germline.
Comment: This sequence change replaces arginine, which is basic and polar, with histidine, which is basic and polar, at codon 122 of the TMC6 protein (p.Arg122His). The frequency data for this variant in the population databases is considered unreliable, as metrics indicate poor data quality at this position in the gnomAD database. This variant has not been reported in the literature in individuals affected with TMC6-related conditions. ClinVar contains an entry for this variant (Variation ID: 1000943). An algorithm developed to predict the effect of missense changes on protein structure and function outputs the following: PolyPhen-2: "Benign". The histidine amino acid residue is found in multiple mammalian species, which suggests that this missense change does not adversely affect protein function. In summary, the available evidence is currently insufficient to determine the role of this variant in disease. Therefore, it has been classified as a Variant of Uncertain Significance.

Ambry Genetics
Classification: Uncertain significance for Inborn genetic diseases. Last evaluated: 2023-11-14. Review status: criteria provided, single submitter. Criteria: Ambry Variant Classification Scheme 2023. Collection method: clinical testing. Allele origin: germline.

Breakthrough Genomics
Classification: Uncertain significance. Review status: criteria provided, single submitter. Criteria: ACMG Guidelines, 2015. Collection method: not provided. Allele origin: germline. Inheritance: Autosomal recessive inheritance. Affected: yes.